The following is an entry in ClinVar:

NM_178857.6(RP1L1):c.358C>T (p.Gln120Ter)

Gene: RP1L1 (RP1 like 1). Cytogenetic location: 8p23.1.
Variant type: single nucleotide variant.
Coding change: c.358C>T on transcript NM_178857.6 (MANE Select); coding-DNA position 358, C replaced by T.
Protein change: p.Gln120Ter; replaces glutamine 120 with a stop codon.
Molecular consequence: nonsense.
Genome position (GRCh38, 1-based): chr8:10,622,844, G>A on the plus strand (C>T on the coding strand, the complement: RP1L1 is on the minus strand). VCF-style: chr8-10622844-G-A. GRCh37 (hg19) VCF-style: chr8-10480354-G-A.
Other names: short protein forms Q120*.
Identifiers: ClinVar variation 4704049 (VCV004704049.1).

ClinVar aggregate classification (germline): Uncertain significance (1 of 4 stars; one submission).

gnomAD v4.1: 2 of 1,613,152 alleles (0.00012%); highest among the groups gnomAD compares: South Asian, 0.0011%; no homozygotes.

Submission:

Labcorp Genetics (formerly Invitae), Labcorp
Classification: Uncertain significance. Last evaluated: 2025-11-25. Review status: criteria provided, single submitter. Criteria: Invitae Variant Classification Sherloc (09022015). Collection method: clinical testing. Allele origin: germline.
Comment: This sequence change creates a premature translational stop signal (p.Gln120*) in the RP1L1 gene. It is expected to result in an absent or disrupted protein product. However, the current clinical and genetic evidence is not sufficient to establish whether loss-of-function variants in RP1L1 cause disease. This variant is not present in population databases (gnomAD no frequency). This variant has not been reported in the literature in individuals affected with RP1L1-related conditions. In summary, the available evidence is currently insufficient to determine the role of this variant in disease. Therefore, it has been classified as a Variant of Uncertain Significance.